The following is an entry in ClinVar:

NM_207361.6(FREM2):c.6977C>T (p.Thr2326Ile)

Gene: FREM2 (FRAS1 related extracellular matrix 2; plus strand). Cytogenetic location: 13q13.3.
Variant type: single nucleotide variant.
Coding change: c.6977C>T on transcript NM_207361.6 (MANE Select); coding-DNA position 6977, C replaced by T.
Protein change: p.Thr2326Ile; replaces threonine 2326 with isoleucine.
Molecular consequence: missense variant.
Genome position (GRCh38, 1-based): chr13:38,856,177, C>T. VCF-style: chr13-38856177-C-T. GRCh37 (hg19) VCF-style: chr13-39430314-C-T.
Other names: p.Thr2326Ile; short protein forms T2326I.
Identifiers: ClinVar variation 263300 (VCV000263300.22), dbSNP rs9548509, ClinGen allele CA6955734.

ClinVar aggregate classification (germline): Benign. Review status: criteria provided, multiple submitters, no conflicts (2 of 4 stars). 12 submissions from 11 submitters: Benign (11). 1 of the submissions does not count toward it. Last evaluated 2026-02-04.

Conditions:
Fraser syndrome 2 (FRASRS2). Identifiers: MedGen C4540036, MONDO:0054738, OMIM 617666.
Isolated cryptophthalmia. Also called: Cryptophthalmos, unilateral or bilateral, isolated; ANKYLOBLEPHARON, SIMPLE. Identifiers: Orphanet 91396, MedGen C1852453, MONDO:0007410, OMIM 123570.
Fraser syndrome 1 (FRASRS1). Also called: CRYPTOPHTHALMOS WITH OTHER MALFORMATIONS. Identifiers: Orphanet 2052, MedGen C4551480, MONDO:0054737, OMIM 219000.

Allele frequency attached by ClinVar (database versions not stated): gnomAD exomes 0.71443 and 0.74891; ESP Exome Variant Server 0.72190; gnomAD 0.73365 and 0.73526; ExAC 0.73977; TOPMed 0.74160; 1000 Genomes Project 0.77196; 1000 Genomes Project 30x 0.77217.
gnomAD v4.1: 1,153,922 of 1,610,012 alleles (72%); highest among the groups gnomAD compares: East Asian, 97%; 416,843 homozygotes.

Submissions (12):

Labcorp Genetics (formerly Invitae), Labcorp
Classification: Benign. Last evaluated: 2026-02-04. Review status: criteria provided, single submitter. Criteria: Invitae Variant Classification Sherloc (09022015). Collection method: clinical testing. Allele origin: germline.

Blueprint Genetics
Classification: Benign. Last evaluated: 2024-11-27. Review status: criteria provided, single submitter. Criteria: ACMG Guidelines, 2015. Collection method: clinical testing. Allele origin: germline.

Mayo Clinic Laboratories, Mayo Clinic
Classification: Benign. Last evaluated: 2022-03-09. Review status: criteria provided, single submitter. Criteria: ACMG Guidelines, 2015. Collection method: clinical testing. Allele origin: germline. Observed: 74 variant alleles.

Genome-Nilou Lab
Classification: Benign for Isolated cryptophthalmia. Last evaluated: 2021-08-10. Review status: criteria provided, single submitter. Criteria: ACMG Guidelines, 2015. Collection method: clinical testing. Allele origin: germline. Affected: no.

Genome-Nilou Lab
Classification: Benign for Fraser syndrome 2. Last evaluated: 2021-08-10. Review status: criteria provided, single submitter. Criteria: ACMG Guidelines, 2015. Collection method: clinical testing. Allele origin: germline. Affected: no.

Mendelics
Classification: Benign for Fraser syndrome 1. Last evaluated: 2019-05-28. Review status: criteria provided, single submitter. Criteria: Mendelics Assertion Criteria 2017. Collection method: clinical testing. Allele origin: unknown.

GeneDx
Classification: Benign. Last evaluated: 2018-07-03. Review status: criteria provided, single submitter. Criteria: GeneDx Variant Classification Process June 2021. Collection method: clinical testing. Allele origin: germline. Affected: yes.

Illumina Laboratory Services, Illumina
Classification: Benign for Fraser syndrome 2. Last evaluated: 2018-01-12. Review status: criteria provided, single submitter. Criteria: ICSL Variant Classification Criteria 13 December 2019. Collection method: clinical testing. Allele origin: germline.
Comment: This variant was observed in the ICSL laboratory as part of a predisposition screen in an ostensibly healthy population. It had not been previously curated by ICSL or reported in the Human Gene Mutation Database (HGMD: prior to June 1st, 2018), and was therefore a candidate for classification through an automated scoring system. Utilizing variant allele frequency, disease prevalence and penetrance estimates, and inheritance mode, an automated score was calculated to assess if this variant is too frequent to cause the disease. Based on the score and internal cut-off values, a variant classified as benign is not then subjected to further curation. The score for this variant resulted in a classification of benign for this disease.

Genome Diagnostics Laboratory, University Medical Center Utrecht
Classification: Benign for Fraser syndrome 1. Last evaluated: 2014-10-10. Review status: criteria provided, single submitter. Criteria: ACGS Guidelines, 2013. Collection method: clinical testing. Allele origin: germline. Affected: yes. Study: VKGL Data-share Consensus.

Breakthrough Genomics
Classification: Benign. Review status: criteria provided, single submitter. Criteria: ACMG Guidelines, 2015. Collection method: not provided. Allele origin: germline. Inheritance: Autosomal recessive inheritance. Affected: yes.

PreventionGenetics, part of Exact Sciences
Classification: Benign. Review status: criteria provided, single submitter. Criteria: ACMG Guidelines, 2015. Collection method: clinical testing. Allele origin: germline.

Diagnostic Laboratory, Department of Genetics, University Medical Center Groningen
Classification: Benign for Fraser syndrome 1. Review status: no assertion criteria provided. Collection method: clinical testing. Allele origin: germline. Affected: yes. Study: VKGL Data-share Consensus. Not counted in ClinVar's aggregate classification.